The following is an entry in ClinVar:

ClinVar aggregate classification (germline): Uncertain significance (1 of 4 stars; one submission).

Submission:

GeneDx
Classification: Uncertain significance. Last evaluated: 2025-05-22. Review status: criteria provided, single submitter. Criteria: GeneDx Variant Classification Process June 2021. Collection method: clinical testing. Allele origin: germline. Affected: yes.
Comment: Not observed at significant frequency in large population cohorts (gnomAD); In silico analysis suggests that this missense variant does not alter protein structure/function; Has not been previously published as pathogenic or benign to our knowledge

NM_022841.7(RFX7):c.1210T>C (p.Ser404Pro)

Gene: RFX7 (regulatory factor X7; minus strand). Cytogenetic location: 15q21.3.
Variant type: single nucleotide variant.
Coding change: c.1210T>C on transcript NM_022841.7 (MANE Select); coding-DNA position 1210, T replaced by C.
Protein change: p.Ser404Pro; replaces serine 404 with proline.
Molecular consequence: missense variant.
Genome position (GRCh38, 1-based): chr15:56,096,518, A>G on the plus strand (T>C on the coding strand, the complement: RFX7 is on the minus strand). VCF-style: chr15-56096518-A-G. GRCh37 (hg19) VCF-style: chr15-56388716-A-G.
Other names: c.919T>C, p.Ser307Pro (NM_001368073.2, NM_001368074.1, NM_001370554.1); c.1210T>C, p.Ser404Pro (NM_001370561.1); short protein forms S307P, S404P.
Identifiers: ClinVar variation 4530720 (VCV004530720.1).
Genomic context (GRCh38, chr15:56,096,518, plus strand): 5'-AACGATCCCCACCAGGACTGGCTGGAACGTTCTGGGGAGTCTTTGGTGCCTGTTTCACAG[A>G]CTGCATGTGCTGAGTGACCACCTGTACATTGAGGGGAAGAACTTTGCCGTCAGAAGAACT-3'
Protein context (NP_073752.6, residues 394-414): NVQVVTQHMQ[Ser404Pro]VKQAPKTPQN